The following is an entry in ClinVar:

ClinVar aggregate classification (germline): Uncertain significance (1 of 4 stars; one submission).

Conditions:
Stormorken syndrome (STRMK). Also called: THROMBOCYTOPATHY, ASPLENIA, AND MIOSIS. Identifiers: Orphanet 3204, MedGen C1861451, MONDO:0008497, OMIM 185070.
Myopathy with tubular aggregates (TAM). Also called: Tubular Aggregate Myopathy. Identifiers: Orphanet 2593, MedGen C0410207, MONDO:0008051.
Combined immunodeficiency due to STIM1 deficiency. Also called: IMMUNODEFICIENCY 10; STIM1 DEFICIENCY. Identifiers: Orphanet 169090, Orphanet 317430, MedGen C2748557, MONDO:0013008, OMIM 612783.

Submission:

Labcorp Genetics (formerly Invitae), Labcorp
Classification: Uncertain significance for Myopathy with tubular aggregates; Combined immunodeficiency due to STIM1 deficiency; Stormorken syndrome. Last evaluated: 2022-02-22. Review status: criteria provided, single submitter. Criteria: Invitae Variant Classification Sherloc (09022015). Collection method: clinical testing. Allele origin: germline.
Comment: This sequence change replaces histidine, which is basic and polar, with proline, which is neutral and non-polar, at codon 518 of the STIM1 protein (p.His518Pro). This variant is not present in population databases (gnomAD no frequency). This variant has not been reported in the literature in individuals affected with STIM1-related conditions. ClinVar contains an entry for this variant (Variation ID: 1036652). Algorithms developed to predict the effect of missense changes on protein structure and function (SIFT, PolyPhen-2, Align-GVGD) all suggest that this variant is likely to be tolerated. In summary, the available evidence is currently insufficient to determine the role of this variant in disease. Therefore, it has been classified as a Variant of Uncertain Significance.

NM_001382567.1(STIM1):c.1646A>C (p.His549Pro)

Gene: STIM1 (stromal interaction molecule 1; plus strand). Cytogenetic location: 11p15.4.
Variant type: single nucleotide variant.
Coding change: c.1646A>C on transcript NM_001382567.1 (MANE Select); coding-DNA position 1646, A replaced by C.
Protein change: p.His549Pro; replaces histidine 549 with proline.
Molecular consequence: missense variant. On other transcripts: synonymous variant (4), non-coding transcript variant (3).
Genome position (GRCh38, 1-based): chr11:4,091,293, A>C. VCF-style: chr11-4091293-A-C. GRCh37 (hg19) VCF-style: chr11-4112523-A-C.
Other names: c.1590A>C, p.Pro530= (NM_001277962.2); c.1649A>C, p.His550Pro (NM_001382566.1); c.1574A>C, p.His525Pro (NM_001382568.1); c.1418A>C, p.His473Pro (NM_001382569.1); c.1325A>C, p.His442Pro (NM_001382570.1); c.1073A>C, p.His358Pro (NM_001382571.1); c.1331A>C, p.His444Pro (NM_001382575.1, NM_001382576.1, NM_001382577.1); c.1368A>C, p.Pro456= (NM_001382578.1, NM_001382579.1); and 4 more; short protein forms H355P, H358P, H473P, H442P, H525P, H624P, H444P, H549P.
Identifiers: ClinVar variation 1036652 (VCV001036652.9), dbSNP rs751432488, ClinGen allele CA379196605.